The following is an entry in ClinVar:

ClinVar aggregate classification (germline): Uncertain significance (1 of 4 stars; one submission).

Conditions:
Hereditary cancer-predisposing syndrome. Also called: Neoplastic Syndromes, Hereditary; Tumor predisposition; Hereditary Cancer Syndrome; Hereditary neoplastic syndrome. Identifiers: Orphanet 140162, MedGen C0027672, MeSH D009386, MONDO:0015356.

Submission:

Ambry Genetics
Classification: Uncertain significance for Hereditary cancer-predisposing syndrome. Last evaluated: 2026-02-20. Review status: criteria provided, single submitter. Criteria: Ambry Variant Classification Scheme 2023. Collection method: clinical testing. Allele origin: germline.
Comment: The p.S1163R variant (also known as c.3489C>A), located in coding exon 15 of the APC gene, results from a C to A substitution at nucleotide position 3489. The serine at codon 1163 is replaced by arginine, an amino acid with dissimilar properties. This amino acid position is conserved. In addition, in silico predictors for this gene do not accurately predict pathogenicity. Based on the available evidence, the clinical significance of this variant remains unclear.

NM_000038.6(APC):c.3489C>A (p.Ser1163Arg)

Gene: APC (APC regulator of Wnt signaling pathway; plus strand). Cytogenetic location: 5q22.2.
Variant type: single nucleotide variant.
Coding change: c.3489C>A on transcript NM_000038.6 (MANE Select); coding-DNA position 3489, C replaced by A.
Protein change: p.Ser1163Arg; replaces serine 1163 with arginine.
Molecular consequence: missense variant. On other transcripts: non-coding transcript variant (2).
Genome position (GRCh38, 1-based): chr5:112,839,083, C>A. VCF-style: chr5-112839083-C-A. GRCh37 (hg19) VCF-style: chr5-112174780-C-A.
Other names: c.3489C>A, p.Ser1163Arg (NM_001354895.2, NM_001127510.3, NM_001407450.1); c.3543C>A, p.Ser1181Arg (NM_001354896.2, NM_001407447.1, NM_001407448.1 and 1 more transcripts); c.3519C>A, p.Ser1173Arg (NM_001354897.2); c.3414C>A, p.Ser1138Arg (NM_001354898.2); c.3405C>A, p.Ser1135Arg (NM_001354899.2); c.3366C>A, p.Ser1122Arg (NM_001354900.2); c.3312C>A, p.Ser1104Arg (NM_001354901.2, NM_001407453.1); c.3216C>A, p.Ser1072Arg (NM_001354902.2); and 11 more; short protein forms S1003R, S1062R, S1104R, S1122R, S1135R, S1145R, S1153R, S1163R.
Identifiers: ClinVar variation 4825069 (VCV004825069.1).